The following is an entry in ClinVar:

ClinVar aggregate classification (germline): Uncertain significance. Review status: criteria provided, multiple submitters, no conflicts (2 of 4 stars). 3 submissions from 3 submitters: Uncertain significance (3). Last evaluated 2025-05-22.

Conditions:
Colorectal cancer, hereditary nonpolyposis, type 7. Identifiers: Orphanet 144, MedGen C1858380, MONDO:0013725, OMIM 614385.

Allele frequency attached by ClinVar (database versions not stated): ExAC 0.00001; gnomAD 0.00001.

Submissions (3):

Ambry Genetics
Classification: Uncertain significance. Last evaluated: 2025-05-22. Review status: criteria provided, single submitter. Criteria: Ambry Variant Classification Scheme 2023. Collection method: clinical testing. Allele origin: germline.
Comment: The p.D1159Y variant (also known as c.3475G>T), located in coding exon 4 of the MLH3 gene, results from a G to T substitution at nucleotide position 3475. The aspartic acid at codon 1159 is replaced by tyrosine, an amino acid with highly dissimilar properties. This amino acid position is well conserved in available vertebrate species. In addition, this alteration is predicted to be deleterious by in silico analysis. The evidence for this gene-disease relationship is limited; therefore, the clinical significance of this alteration is unclear.

Labcorp Genetics (formerly Invitae), Labcorp
Classification: Uncertain significance for Colorectal cancer, hereditary nonpolyposis, type 7. Last evaluated: 2024-05-12. Review status: criteria provided, single submitter. Criteria: Invitae Variant Classification Sherloc (09022015). Collection method: clinical testing. Allele origin: germline.
Comment: This sequence change replaces aspartic acid, which is acidic and polar, with tyrosine, which is neutral and polar, at codon 1159 of the MLH3 protein (p.Asp1159Tyr). This variant is present in population databases (rs755836944, gnomAD 0.008%). This variant has not been reported in the literature in individuals affected with MLH3-related conditions. ClinVar contains an entry for this variant (Variation ID: 955132). An algorithm developed to predict the effect of missense changes on protein structure and function (PolyPhen-2) suggests that this variant is likely to be disruptive. In summary, the available evidence is currently insufficient to determine the role of this variant in disease. Therefore, it has been classified as a Variant of Uncertain Significance.

Blueprint Genetics
Classification: Uncertain significance. Last evaluated: 2024-01-04. Review status: criteria provided, single submitter. Criteria: ACMG Guidelines, 2015. Collection method: clinical testing. Allele origin: germline.

NM_001040108.2(MLH3):c.3475G>T (p.Asp1159Tyr)

Gene: MLH3 (mutL homolog 3; minus strand). Cytogenetic location: 14q24.3.
Variant type: single nucleotide variant.
Coding change: c.3475G>T on transcript NM_001040108.2 (MANE Select); coding-DNA position 3475, G replaced by T.
Protein change: p.Asp1159Tyr; replaces aspartic acid 1159 with tyrosine.
Molecular consequence: missense variant.
Genome position (GRCh38, 1-based): chr14:75,040,006, C>A on the plus strand (G>T on the coding strand, the complement: MLH3 is on the minus strand). VCF-style: chr14-75040006-C-A. GRCh37 (hg19) VCF-style: chr14-75506709-C-A.
Other names: c.3475G>T, p.Asp1159Tyr (NM_014381.3); short protein forms D1159Y.
Identifiers: ClinVar variation 955132 (VCV000955132.12), dbSNP rs755836944, ClinGen allele CA7275470.
Genomic context (GRCh38, chr14:75,040,006, plus strand): 5'-AGGGATACAAGATGTTGTGAATTTTAACTGCTAAGCTCTCAGCCTGGCCACTGCTTACAT[C>A]AACAGCAACCTAGAAAGACTCAGCAAAATATAATTGAAATTTTAATTTTTGTGTCAGAAT-3'
Protein context (NP_001035197.1, residues 1149-1169): VFARYPEVAV[Asp1159Tyr]VSSGQAESLA